The following is an entry in ClinVar:

NM_000135.4(FANCA):c.342C>T (p.Ala114=)

Gene: FANCA (FA complementation group A; minus strand). Cytogenetic location: 16q24.3.
Variant type: single nucleotide variant.
Coding change: c.342C>T on transcript NM_000135.4 (MANE Select); coding-DNA position 342, C replaced by T.
Protein change: p.Ala114=; no amino-acid change (alanine 114 retained).
Molecular consequence: synonymous variant.
Genome position (GRCh38, 1-based): chr16:89,811,013, G>A on the plus strand (C>T on the coding strand, the complement: FANCA is on the minus strand). VCF-style: chr16-89811013-G-A. GRCh37 (hg19) VCF-style: chr16-89877421-G-A.
Other names: c.342C>T (LRG_495t1, NM_000135.3); c.342C>T, p.Ala114= (NM_001018112.3, NM_001286167.3, NM_001351830.2).
Identifiers: ClinVar variation 435124 (VCV000435124.25), dbSNP rs777989691, ClinGen allele CA8253059.

ClinVar aggregate classification (germline): Likely benign. Review status: criteria provided, multiple submitters, no conflicts (2 of 4 stars). 7 submissions from 7 submitters: Likely benign (7). Last evaluated 2026-01-12.

Conditions:
Fanconi anemia (FA). Also called: Fanconi's anemia. Identifiers: Orphanet 84, MedGen C0015625, MeSH D005199, MONDO:0019391.
Inborn genetic diseases. Identifiers: MedGen C0950123, MeSH D030342.
Fanconi anemia complementation group A (FANCA). Also called: Fanconi anemia, group A; FANCA-Related Fanconi Anemia. Identifiers: Orphanet 84, MedGen C3469521, MONDO:0009215, OMIM 227650.

Allele frequency attached by ClinVar (database versions not stated): gnomAD 0.00010; TOPMed 0.00009.
gnomAD v4.1: 128 of 1,613,900 alleles (0.0079%); highest among the groups gnomAD compares: South Asian, 0.061%; 1 homozygote.

Submissions (7):

Labcorp Genetics (formerly Invitae), Labcorp
Classification: Likely benign for Fanconi anemia. Last evaluated: 2026-01-12. Review status: criteria provided, single submitter. Criteria: Invitae Variant Classification Sherloc (09022015). Collection method: clinical testing. Allele origin: germline.

CeGaT Center for Human Genetics Tuebingen
Classification: Likely benign. Last evaluated: 2025-11-01. Review status: criteria provided, single submitter. Criteria: CeGaT Center For Human Genetics Tuebingen Variant Classification Criteria Version 2. Collection method: clinical testing. Allele origin: germline. Affected: yes. Observed: 1 variant allele.
Comment: FANCA: BP4, BP7

Ambry Genetics
Classification: Likely benign for Inborn genetic diseases. Last evaluated: 2024-12-02. Review status: criteria provided, single submitter. Criteria: Ambry Variant Classification Scheme 2023. Collection method: clinical testing. Allele origin: germline.

Blueprint Genetics
Classification: Likely benign. Last evaluated: 2024-11-18. Review status: criteria provided, single submitter. Criteria: ACMG Guidelines, 2015. Collection method: clinical testing. Allele origin: germline.

KCCC/NGS Laboratory, Kuwait Cancer Control Center
Classification: Likely benign for Fanconi anemia complementation group A. Last evaluated: 2023-07-07. Review status: criteria provided, single submitter. Criteria: ACMG Guidelines, 2015. Collection method: clinical testing. Allele origin: germline. Affected: yes.

Genetic Services Laboratory, University of Chicago
Classification: Likely benign. Last evaluated: 2017-05-22. Review status: criteria provided, single submitter. Criteria: ACMG Guidelines, 2015. Collection method: clinical testing. Allele origin: germline. Affected: no.

Breakthrough Genomics
Classification: Likely benign. Review status: criteria provided, single submitter. Criteria: ACMG Guidelines, 2015. Collection method: not provided. Allele origin: germline. Inheritance: Autosomal recessive inheritance. Affected: yes.